The following is an entry in ClinVar:

ClinVar aggregate classification (germline): Uncertain significance (1 of 4 stars; one submission).

Submission:

GeneDx
Classification: Uncertain significance. Last evaluated: 2026-02-18. Review status: criteria provided, single submitter. Criteria: GeneDx Variant Classification Process June 2021. Collection method: clinical testing. Allele origin: germline.
Comment: Not observed at significant frequency in large population cohorts (gnomAD); In silico analysis supports that this missense variant has a deleterious effect on protein structure/function; Has not been previously published as pathogenic or benign to our knowledge

NM_033109.5(PNPT1):c.1694G>C (p.Gly565Ala)

Gene: PNPT1 (polyribonucleotide nucleotidyltransferase 1; minus strand). Cytogenetic location: 2p16.1.
Variant type: single nucleotide variant.
Coding change: c.1694G>C on transcript NM_033109.5 (MANE Select); coding-DNA position 1694, G replaced by C.
Protein change: p.Gly565Ala; replaces glycine 565 with alanine.
Molecular consequence: missense variant.
Genome position (GRCh38, 1-based): chr2:55,646,303, C>G on the plus strand (G>C on the coding strand, the complement: PNPT1 is on the minus strand). VCF-style: chr2-55646303-C-G. GRCh37 (hg19) VCF-style: chr2-55873438-C-G.
Other names: short protein forms G565A.
Identifiers: ClinVar variation 5009603 (VCV005009603.1).